The following is an entry in ClinVar:

NM_006361.6(HOXB13):c.828C>A (p.Ala276=)

Gene: HOXB13 (homeobox B13; minus strand). Cytogenetic location: 17q21.32.
Variant type: single nucleotide variant.
Coding change: c.828C>A on transcript NM_006361.6 (MANE Select); coding-DNA position 828, C replaced by A.
Protein change: p.Ala276=; no amino-acid change (alanine 276 retained).
Molecular consequence: synonymous variant.
Genome position (GRCh38, 1-based): chr17:48,726,817, G>T on the plus strand (C>A on the coding strand, the complement: HOXB13 is on the minus strand). VCF-style: chr17-48726817-G-T. GRCh37 (hg19) VCF-style: chr17-46804179-G-T.
Identifiers: ClinVar variation 4644110 (VCV004644110.2).

ClinVar aggregate classification (germline): Uncertain significance (1 of 4 stars; one submission).

Conditions:
Prostate cancer, hereditary, 9 (HPC9). Identifiers: Orphanet 1331, MedGen C1970250, MONDO:0012597, OMIM 610997.
Hereditary cancer-predisposing syndrome. Also called: Neoplastic Syndromes, Hereditary; Tumor predisposition; Hereditary Cancer Syndrome; Hereditary neoplastic syndrome. Identifiers: Orphanet 140162, MedGen C0027672, MeSH D009386, MONDO:0015356.

Submission:

Ambry Genetics
Classification: Uncertain significance for Hereditary cancer-predisposing syndrome. Last evaluated: 2025-10-29. Review status: criteria provided, single submitter. Criteria: Ambry Variant Classification Scheme 2023. Collection method: clinical testing. Allele origin: germline.
Comment: The c.828C>A variant (also known as p.A276A), located in coding exon 2 of the HOXB13 gene, results from a C to A substitution at nucleotide position 828. This nucleotide substitution does not change the amino acid at codon 276. This nucleotide position is well conserved in available vertebrate species. In silico splice site analysis for this alteration is inconclusive. Based on the available evidence, the clinical significance of this variant remains unclear.